The following is an entry in ClinVar:

NM_000936.4(PNLIP):c.486_487inv (p.Val163Met)

Gene: PNLIP (pancreatic lipase; plus strand). Cytogenetic location: 10q25.3.
Variant type: Inversion.
Coding change: c.486_487inv on transcript NM_000936.4 (MANE Select).
Protein change: p.Val163Met; replaces valine 163 with methionine.
Molecular consequence: missense variant.
Genome position: GRCh38 VCF-style: chr10-116553753-TG-CA. GRCh37 (hg19) VCF-style: chr10-118313265-TG-CA.
Other names: short protein forms V163M.
Identifiers: ClinVar variation 2096384 (VCV002096384.4), ClinGen allele CA2580082381.

ClinVar aggregate classification (germline): Uncertain significance (1 of 4 stars; one submission).

Submission:

Labcorp Genetics (formerly Invitae), Labcorp
Classification: Uncertain significance. Last evaluated: 2022-10-28. Review status: criteria provided, single submitter. Criteria: Invitae Variant Classification Sherloc (09022015). Collection method: clinical testing. Allele origin: germline.
Comment: This sequence change replaces valine, which is neutral and non-polar, with methionine, which is neutral and non-polar, at codon 163 of the PNLIP protein (p.Val163Met). This variant is not present in population databases (gnomAD no frequency). This variant has not been reported in the literature in individuals affected with PNLIP-related conditions. Experimental studies and prediction algorithms are not available or were not evaluated, and the functional significance of this variant is currently unknown. In summary, the available evidence is currently insufficient to determine the role of this variant in disease. Therefore, it has been classified as a Variant of Uncertain Significance.